The following is an entry in ClinVar:

ClinVar aggregate classification (germline): Benign. Review status: criteria provided, multiple submitters, no conflicts (2 of 4 stars). 2 submissions from 2 submitters: Benign (2). Last evaluated 2018-06-19.

Allele frequency attached by ClinVar (database versions not stated): 1000 Genomes Project 0.04373; 1000 Genomes Project 30x 0.04575; gnomAD exomes 0.04643 and 0.05164; ExAC 0.04892; gnomAD 0.05242 and 0.05416; ESP Exome Variant Server 0.05299; TOPMed 0.05387.
gnomAD v4.1: 79,938 of 1,544,690 alleles (5.2%); highest among the groups gnomAD compares: African/African-American, 6.8%; 2,180 homozygotes.

Submissions (2):

GeneDx
Classification: Benign. Last evaluated: 2018-06-19. Review status: criteria provided, single submitter. Criteria: GeneDx Variant Classification (06012015). Collection method: clinical testing. Allele origin: germline. Affected: yes.
Comment: This variant is considered likely benign or benign based on one or more of the following criteria: it is a conservative change, it occurs at a poorly conserved position in the protein, it is predicted to be benign by multiple in silico algorithms, and/or has population frequency not consistent with disease.

Breakthrough Genomics
Classification: Benign. Review status: criteria provided, single submitter. Criteria: ACMG Guidelines, 2015. Collection method: not provided. Allele origin: germline. Inheritance: Autosomal recessive inheritance. Affected: yes.

NM_001244008.2(KIF1A):c.2266-47C>A

Gene: KIF1A (kinesin family member 1A; minus strand). Cytogenetic location: 2q37.3.
Variant type: single nucleotide variant.
Coding change: c.2266-47C>A on transcript NM_001244008.2 (MANE Select); 47 bases into the intron before coding-DNA position 2266, C replaced by A.
Molecular consequence: intron variant.
Genome position (GRCh38, 1-based): chr2:240,760,890, G>T on the plus strand (C>A on the coding strand, the complement: KIF1A is on the minus strand). VCF-style: chr2-240760890-G-T. GRCh37 (hg19) VCF-style: chr2-241700307-G-T.
Other names: c.2239-47C>A (NM_001379653.1, NM_001379650.1, NM_001379645.1 and 10 more transcripts); c.2341-47C>A (NM_001379635.1, NM_001330290.2, NM_001379646.1 and 2 more transcripts); c.2314-47C>A (NM_001379637.1, NM_001379648.1); c.2266-47C>A (NM_001320705.2, NM_001379638.1, NM_001330289.2).
Identifiers: ClinVar variation 672929 (VCV000672929.2), dbSNP rs58415613, ClinGen allele CA2208144.